The following is an entry in ClinVar:

NM_001127222.2(CACNA1A):c.6262G>A (p.Gly2088Ser)

Gene: CACNA1A (calcium voltage-gated channel subunit alpha1 A; minus strand). Cytogenetic location: 19p13.13.
Variant type: single nucleotide variant.
Coding change: c.6262G>A on transcript NM_001127222.2 (MANE Select); coding-DNA position 6262, G replaced by A.
Protein change: p.Gly2088Ser; replaces glycine 2088 with serine.
Molecular consequence: missense variant.
Genome position (GRCh38, 1-based): chr19:13,212,144, C>T on the plus strand (G>A on the coding strand, the complement: CACNA1A is on the minus strand). VCF-style: chr19-13212144-C-T. GRCh37 (hg19) VCF-style: chr19-13322958-C-T.
Other names: c.6280G>A, p.Gly2094Ser (NM_000068.4, NM_023035.3); c.6265G>A, p.Gly2089Ser (NM_001127221.2); c.6271G>A, p.Gly2091Ser (NM_001174080.2); short protein forms G2089S, G2088S, G2094S, G2091S.
Identifiers: ClinVar variation 476268 (VCV000476268.9), dbSNP rs1259126760, ClinGen allele CA404332231.

ClinVar aggregate classification (germline): Uncertain significance (1 of 4 stars; one submission).

Conditions:
Developmental and epileptic encephalopathy, 42 (DEE42A). Also called: DEVELOPMENTAL AND EPILEPTIC ENCEPHALOPATHY 42A; EPILEPTIC ENCEPHALOPATHY, EARLY INFANTILE, 42A; Epileptic encephalopathy, early infantile, 42. Identifiers: MedGen C4310716, MONDO:0014917, OMIM 617106.
Episodic ataxia type 2 (EA2). Also called: ACETAZOLAMIDE-RESPONSIVE HEREDITARY PAROXYSMAL CEREBELLAR ATAXIA; ATAXIA, EPISODIC, WITH NYSTAGMUS; ATAXIA, FAMILIAL PAROXYSMAL; CEREBELLAR ATAXIA, PAROXYSMAL, ACETAZOLAMIDE-RESPONSIVE; CEREBELLOPATHY, HEREDITARY PAROXYSMAL; EPISODIC ATAXIA, NYSTAGMUS-ASSOCIATED. Identifiers: Orphanet 97, MedGen C1720416, MONDO:0007163, OMIM 108500.

Allele frequency attached by ClinVar (database versions not stated): gnomAD exomes below 0.00001 and 0.00001; TOPMed below 0.00001; gnomAD 0.00001.
gnomAD v4.1: 8 of 1,613,684 alleles (0.0005%); highest among the groups gnomAD compares: Admixed American, 0.0017%; no homozygotes.

Submission:

Labcorp Genetics (formerly Invitae), Labcorp
Classification: Uncertain significance for Developmental and epileptic encephalopathy, 42; Episodic ataxia type 2. Last evaluated: 2025-04-09. Review status: criteria provided, single submitter. Criteria: Invitae Variant Classification Sherloc (09022015). Collection method: clinical testing. Allele origin: germline.
Comment: This sequence change replaces glycine, which is neutral and non-polar, with serine, which is neutral and polar, at codon 2089 of the CACNA1A protein (p.Gly2089Ser). This variant is present in population databases (no rsID available, gnomAD 0.0009%). This variant has not been reported in the literature in individuals affected with CACNA1A-related conditions. ClinVar contains an entry for this variant (Variation ID: 476268). Invitae Evidence Modeling of protein sequence and biophysical properties (such as structural, functional, and spatial information, amino acid conservation, physicochemical variation, residue mobility, and thermodynamic stability) indicates that this missense variant is not expected to disrupt CACNA1A protein function with a negative predictive value of 95%. In summary, the available evidence is currently insufficient to determine the role of this variant in disease. Therefore, it has been classified as a Variant of Uncertain Significance.